The following is an entry in ClinVar:

ClinVar aggregate classification (germline): Uncertain significance. Review status: criteria provided, multiple submitters, no conflicts (2 of 4 stars). 4 submissions from 4 submitters: Uncertain significance (4). Last evaluated 2026-02-27.

Conditions:
Cardiovascular phenotype. Identifiers: MedGen CN230736.
Hereditary cancer-predisposing syndrome. Also called: Neoplastic Syndromes, Hereditary; Tumor predisposition; Hereditary neoplastic syndrome; Hereditary Cancer Syndrome. Identifiers: Orphanet 140162, MedGen C0027672, MeSH D009386, MONDO:0015356.
Neurofibromatosis, type 1 (NF1). Also called: Peripheral type neurofibromatosis; Neurofibromatosis, type I; NEUROFIBROMATOSIS, TYPE I, SOMATIC; VON RECKLINGHAUSEN DISEASE. Identifiers: Orphanet 636, MedGen C0027831, MONDO:0018975, OMIM 162200. Disease mechanism: loss of function.
Juvenile myelomonocytic leukemia (JMML). Also called: LEUKEMIA, JUVENILE MYELOMONOCYTIC, SOMATIC. Identifiers: Orphanet 86834, MedGen C0349639, MONDO:0011908, OMIM 607785, HP:0012209.
Neurofibromatosis, familial spinal (FSNF). Identifiers: Orphanet 636, MedGen C1834235, MONDO:0008078, OMIM 162210. Disease mechanism: loss of function.
Neurofibromatosis-Noonan syndrome (NFNS). Also called: NEUROFIBROMATOSIS WITH NOONAN PHENOTYPE. Identifiers: Orphanet 638, MedGen C2931482, MONDO:0011035, OMIM 601321. Disease mechanism: loss of function.
Café-au-lait macules with pulmonary stenosis (WTSN). Also called: PULMONIC STENOSIS WITH CAFE-AU-LAIT SPOTS. Identifiers: MedGen C0553586, MONDO:0008672, OMIM 193520.

Submissions (4):

GeneDx
Classification: Uncertain significance. Last evaluated: 2026-02-27. Review status: criteria provided, single submitter. Criteria: GeneDx Variant Classification Process June 2021. Collection method: clinical testing. Allele origin: germline.
Comment: Not observed at significant frequency in large population cohorts (gnomAD); In silico analysis supports that this missense variant has a deleterious effect on protein structure/function; Has not been previously published as pathogenic or benign to our knowledge

Ambry Genetics
Classification: Uncertain significance for Cardiovascular phenotype; Hereditary cancer-predisposing syndrome. Last evaluated: 2025-07-21. Review status: criteria provided, single submitter. Criteria: Ambry Variant Classification Scheme 2023. Collection method: clinical testing. Allele origin: germline.
Comment: The p.L508F variant (also known as c.1522C>T), located in coding exon 13 of the NF1 gene, results from a C to T substitution at nucleotide position 1522. The leucine at codon 508 is replaced by phenylalanine, an amino acid with highly similar properties. This amino acid position is highly conserved in available vertebrate species. In addition, this alteration is predicted to be tolerated by in silico analysis. Based on the available evidence, the clinical significance of this variant remains unclear.

Labcorp Genetics (formerly Invitae), Labcorp
Classification: Uncertain significance for Neurofibromatosis, type 1. Last evaluated: 2025-06-15. Review status: criteria provided, single submitter. Criteria: Invitae Variant Classification Sherloc (09022015). Collection method: clinical testing. Allele origin: germline.
Comment: This sequence change replaces leucine, which is neutral and non-polar, with phenylalanine, which is neutral and non-polar, at codon 508 of the NF1 protein (p.Leu508Phe). This variant is not present in population databases (gnomAD no frequency). This variant has not been reported in the literature in individuals affected with NF1-related conditions. ClinVar contains an entry for this variant (Variation ID: 641036). Invitae Evidence Modeling of protein sequence and biophysical properties (such as structural, functional, and spatial information, amino acid conservation, physicochemical variation, residue mobility, and thermodynamic stability) has been performed for this missense variant. However, the output from this modeling did not meet the statistical confidence thresholds required to predict the impact of this variant on NF1 protein function. In summary, the available evidence is currently insufficient to determine the role of this variant in disease. Therefore, it has been classified as a Variant of Uncertain Significance.

Fulgent Genetics
Classification: Uncertain significance for Neurofibromatosis, type 1; Neurofibromatosis, familial spinal; Café-au-lait macules with pulmonary stenosis; Neurofibromatosis-Noonan syndrome; Juvenile myelomonocytic leukemia. Last evaluated: 2024-06-01. Review status: criteria provided, single submitter. Criteria: ACMG Guidelines, 2015. Collection method: clinical testing. Allele origin: germline.

NM_001042492.3(NF1):c.1522C>T (p.Leu508Phe)

Gene: NF1 (neurofibromin 1; plus strand). Cytogenetic location: 17q11.2.
Variant type: single nucleotide variant.
Coding change: c.1522C>T on transcript NM_001042492.3 (MANE Select); coding-DNA position 1522, C replaced by T.
Protein change: p.Leu508Phe; replaces leucine 508 with phenylalanine.
Molecular consequence: missense variant.
Genome position (GRCh38, 1-based): chr17:31,214,580, C>T. VCF-style: chr17-31214580-C-T. GRCh37 (hg19) VCF-style: chr17-29541598-C-T.
Other names: c.1522C>T, p.Leu508Phe (NM_000267.4, NM_001128147.3); short protein forms L508F.
Identifiers: ClinVar variation 641036 (VCV000641036.8), dbSNP rs1597698512, ClinGen allele CA399001698.
Genomic context (GRCh38, chr17:31,214,580, plus strand): 5'-AGCTATAAGTATCTTCTCTTGTCCATGGTGAAACTAATTCATGCAGATCCAAAGCTCTTG[C>T]TTTGTGTAAGTATTTTTTTATGAAATGTCTCAAAATTATCACACTAAGTTAATTGGGTTT-3'
Protein context (NP_001035957.1, residues 498-518): KLIHADPKLL[Leu508Phe]CNPRKQGPET